The following is an entry in ClinVar:

NM_000478.6(ALPL):c.1435del (p.Tyr479fs)

Gene: ALPL (alkaline phosphatase, biomineralization associated; plus strand). Cytogenetic location: 1p36.12.
Variant type: Deletion.
Coding change: c.1435del on transcript NM_000478.6 (MANE Select); coding-DNA position 1435, one base deleted (T; older notation c.1435delT).
Protein change: p.Tyr479fs; shifts the reading frame from tyrosine 479.
Molecular consequence: frameshift variant.
Genome position (GRCh38, 1-based): chr1:21,577,508, T deleted. VCF-style (leftmost placement, unchanged base first): chr1-21577507-CT-C. GRCh37 (hg19) VCF-style: chr1-21904000-CT-C.
Other names: c.1270del, p.Tyr424fs (NM_001127501.4); c.1204del, p.Tyr402fs (NM_001177520.3); c.1435del, p.Tyr479fs (NM_001369803.2, NM_001369804.2, NM_001369805.2); short protein forms Y479fs, Y424fs, Y402fs.
Identifiers: ClinVar variation 2754277 (VCV002754277.3), dbSNP rs2545351114, ClinGen allele CA2697552244.
Genomic context (GRCh38, chr1:21,577,507, plus strand): 5'-CGTGGCCGTCTTCTCCAAGGGCCCCATGGCGCACCTGCTGCACGGCGTCCACGAGCAGAA[CT>C]ACGTCCCCCACGTGATGGCGTATGCAGCCTGCATCGGGGCCAACCTCGGCCACTGTGCTC-3'

ClinVar aggregate classification (germline): Pathogenic (1 of 4 stars; one submission).

Submission:

Labcorp Genetics (formerly Invitae), Labcorp
Classification: Pathogenic. Last evaluated: 2023-05-31. Review status: criteria provided, single submitter. Criteria: Invitae Variant Classification Sherloc (09022015). Collection method: clinical testing. Allele origin: germline.
Comment: This sequence change creates a premature translational stop signal (p.Tyr479Thrfs*5) in the ALPL gene. While this is not anticipated to result in nonsense mediated decay, it is expected to disrupt the last 46 amino acid(s) of the ALPL protein. For these reasons, this variant has been classified as Pathogenic. This variant disrupts a region of the ALPL protein in which other variant(s) (p.Ala492Profs*29) have been determined to be pathogenic (PMID: 15694177, 30864637; Invitae). This suggests that this is a clinically significant region of the protein, and that variants that disrupt it are likely to be disease-causing. This variant has not been reported in the literature in individuals affected with ALPL-related conditions. This variant is not present in population databases (gnomAD no frequency).

Literature cited by the submitters: PubMed 15694177; PubMed 30864637.